The following is an entry in ClinVar:

NM_000478.6(ALPL):c.793-30_793-11del

Gene: ALPL (alkaline phosphatase, biomineralization associated; plus strand). Cytogenetic location: 1p36.12.
Variant type: Deletion.
Coding change: c.793-30_793-11del on transcript NM_000478.6 (MANE Select); 30 bases into the intron before coding-DNA position 793 through 11 bases into the intron before coding-DNA position 793, 20 bases deleted (GGCATGTGCTGACACAGCCC).
Molecular consequence: intron variant.
Genome position (GRCh38, 1-based): chr1:21,570,275-21,570,294, GGCATGTGCTGACACAGCCC deleted; deleting any 20 consecutive bases within chr1:21,570,272-21,570,294 gives the same sequence; the c. name uses the placement nearest the transcript's 3' end. VCF-style (leftmost placement, unchanged base first): chr1-21570271-CCCCGGCATGTGCTGACACAG-C. GRCh37 (hg19) VCF-style: chr1-21896764-CCCCGGCATGTGCTGACACAG-C.
Other names: c.793-30_793-11del (NM_001369805.2, NM_001369804.2, NM_001369803.2); c.628-30_628-11del (NM_001127501.4); c.562-30_562-11del (NM_001177520.3).
Identifiers: ClinVar variation 2664876 (VCV002664876.2), dbSNP rs2545324149, ClinGen allele CA2586964043.

ClinVar aggregate classification (germline): Pathogenic/Likely pathogenic. Review status: criteria provided, multiple submitters, no conflicts (2 of 4 stars). 2 submissions from 2 submitters: Pathogenic (1); Likely pathogenic (1). Last evaluated 2025-08-29.

Conditions:
Hypophosphatasia. Also called: Phosphoethanol-aminuria. Identifiers: Orphanet 436, MedGen C0020630, MeSH D007014, MONDO:0018570.

Submissions (2):

Genomenon, Inc
Classification: Pathogenic for Hypophosphatasia. Last evaluated: 2025-08-29. Review status: criteria provided, single submitter. Criteria: Genomenon Sequence Variant Interpretation Standards. Collection method: curation. Allele origin: germline. Affected: yes.
Comment: ALPL c.793-30_793-11del is an intronic variant located in intron 7. This variant has been observed in at least one proband affected with hypophosphatasia (PMID:27777120). At least one splicing study demonstrated that this variant results in aberrant splicing (PMID:27777120). It is absent or not present at a significant frequency in gnomAD. In conclusion, we classify ALPL c.793-30_793-11del as a pathogenic variant.

JKU Lab, Dept of Paediatrics, Johannes Kepler University
Classification: Likely pathogenic for Hypophosphatasia. Last evaluated: 2023-02-14. Review status: criteria provided, single submitter. Criteria: ACMG Guidelines, 2015. Collection method: clinical testing. Allele origin: germline. Affected: yes. Observed: 1 homozygote.
Comment: Absent in GnomAD. The ACMG criteria applied can be looked up in the ALPL gene variant database.

Literature cited by the submitters: PubMed 27777120 (cited by Genomenon, Inc and JKU Lab, Dept of Paediatrics, Johannes Kepler University); PubMed 32811521 (cited by JKU Lab, Dept of Paediatrics, Johannes Kepler University).